The following is an entry in ClinVar:

ClinVar aggregate classification (germline): Uncertain significance (1 of 4 stars; one submission).

Submission:

GeneDx
Classification: Uncertain significance. Last evaluated: 2026-03-31. Review status: criteria provided, single submitter. Criteria: GeneDx Variant Classification Process June 2021. Collection method: clinical testing. Allele origin: germline.
Comment: Not observed at significant frequency in large population cohorts (gnomAD); In silico analysis suggests that this missense variant does not alter protein structure/function; Has not been previously published as pathogenic or benign to our knowledge

NM_001077653.2(TBX20):c.940A>G (p.Ile314Val)

Gene: TBX20 (T-box transcription factor 20; minus strand). Cytogenetic location: 7p14.2.
Variant type: single nucleotide variant.
Coding change: c.940A>G on transcript NM_001077653.2 (MANE Select); coding-DNA position 940, A replaced by G.
Protein change: p.Ile314Val; replaces isoleucine 314 with valine.
Molecular consequence: missense variant.
Genome position (GRCh38, 1-based): chr7:35,204,533, T>C on the plus strand (A>G on the coding strand, the complement: TBX20 is on the minus strand). VCF-style: chr7-35204533-T-C. GRCh37 (hg19) VCF-style: chr7-35244145-T-C.
Other names: short protein forms I314V.
Identifiers: ClinVar variation 5017277 (VCV005017277.1).